The following is an entry in ClinVar:

ClinVar aggregate classification (germline): Benign. Review status: criteria provided, multiple submitters, no conflicts (2 of 4 stars). 3 submissions from 3 submitters: Benign (3). Last evaluated 2018-01-13.

Conditions:
Holocarboxylase synthetase deficiency. Also called: MULTIPLE CARBOXYLASE DEFICIENCY, EARLY ONSET. Identifiers: Orphanet 79242, MedGen C0268581, MONDO:0009666, OMIM 253270.

Allele frequency attached by ClinVar (database versions not stated): gnomAD exomes 0.25515; 1000 Genomes Project 30x 0.25828; 1000 Genomes Project 0.26098; TOPMed 0.25023; gnomAD 0.26368.
gnomAD v4.1: 39,599 of 152,262 alleles (26%); highest among the groups gnomAD compares: South Asian, 35%; 5,298 homozygotes.

Submissions (3):

Illumina Laboratory Services, Illumina
Classification: Benign for Holocarboxylase synthetase deficiency. Last evaluated: 2018-01-13. Review status: criteria provided, single submitter. Criteria: ICSL Variant Classification Criteria 13 December 2019. Collection method: clinical testing. Allele origin: germline.
Comment: This variant was observed in the ICSL laboratory as part of a predisposition screen in an ostensibly healthy population. It had not been previously curated by ICSL or reported in the Human Gene Mutation Database (HGMD: prior to June 1st, 2018), and was therefore a candidate for classification through an automated scoring system. Utilizing variant allele frequency, disease prevalence and penetrance estimates, and inheritance mode, an automated score was calculated to assess if this variant is too frequent to cause the disease. Based on the score and internal cut-off values, a variant classified as benign is not then subjected to further curation. The score for this variant resulted in a classification of benign for this disease.

GeneDx
Classification: Benign. Last evaluated: 2013-06-18. Review status: criteria provided, single submitter. Criteria: GeneDx Variant Classification (06012015). Collection method: clinical testing. Allele origin: germline. Affected: yes.
Comment: This variant is considered likely benign or benign based on one or more of the following criteria: it is a conservative change, it occurs at a poorly conserved position in the protein, it is predicted to be benign by multiple in silico algorithms, and/or has population frequency not consistent with disease.

Breakthrough Genomics
Classification: Benign. Review status: criteria provided, single submitter. Criteria: ACMG Guidelines, 2015. Collection method: not provided. Allele origin: germline. Inheritance: Autosomal recessive inheritance. Affected: yes.

NM_000411.8(HLCS):c.-405T>C

Genes: HLCS (holocarboxylase synthetase; minus strand), LOC130066639 (ATAC-STARR-seq lymphoblastoid silent region 13293; plus strand). Cytogenetic location: 21q22.13.
Variant type: single nucleotide variant.
Coding change: c.-405T>C on transcript NM_000411.8; 405 bases upstream of the start codon, T replaced by C.
Molecular consequence: 5 prime UTR variant. On other transcripts: non-coding transcript variant (1).
Genome position (GRCh38, 1-based): chr21:36,990,170, A>G on the plus strand (T>C on the coding strand, the complement: HLCS is on the minus strand). VCF-style: chr21-36990170-A-G. GRCh37 (hg19) VCF-style: chr21-38362470-A-G.
Other names: c.-259T>C (NM_001352515.2).
Identifiers: ClinVar variation 137552 (VCV000137552.8), dbSNP rs117476389, ClinGen allele CA291184.